The following is an entry in ClinVar:

ClinVar aggregate classification (germline): Uncertain significance (1 of 4 stars; one submission).

Submission:

CeGaT Center for Human Genetics Tuebingen
Classification: Uncertain significance. Last evaluated: 2026-02-01. Review status: criteria provided, single submitter. Criteria: CeGaT Center For Human Genetics Tuebingen Variant Classification Criteria Version 2. Collection method: clinical testing. Allele origin: germline. Affected: yes. Observed: 1 variant allele.
Comment: KMT2C: PM2, BP4

NM_170606.3(KMT2C):c.10014C>A (p.Asn3338Lys)

Gene: KMT2C (lysine methyltransferase 2C; minus strand). Cytogenetic location: 7q36.1.
Variant type: single nucleotide variant.
Coding change: c.10014C>A on transcript NM_170606.3 (MANE Select); coding-DNA position 10014, C replaced by A.
Protein change: p.Asn3338Lys; replaces asparagine 3338 with lysine.
Molecular consequence: missense variant.
Genome position (GRCh38, 1-based): chr7:152,163,563, G>T on the plus strand (C>A on the coding strand, the complement: KMT2C is on the minus strand). VCF-style: chr7-152163563-G-T. GRCh37 (hg19) VCF-style: chr7-151860648-G-T.
Other names: short protein forms N3338K.
Identifiers: ClinVar variation 4823111 (VCV004823111.4).